The following is an entry in ClinVar:

NM_181426.2(CCDC39):c.389A>G (p.Asp130Gly)

Gene: CCDC39 (coiled-coil domain 39 molecular ruler complex subunit; minus strand). Cytogenetic location: 3q26.33.
Variant type: single nucleotide variant.
Coding change: c.389A>G on transcript NM_181426.2 (MANE Select); coding-DNA position 389, A replaced by G.
Protein change: p.Asp130Gly; replaces aspartic acid 130 with glycine.
Molecular consequence: missense variant.
Genome position (GRCh38, 1-based): chr3:180,660,697, T>C on the plus strand (A>G on the coding strand, the complement: CCDC39 is on the minus strand). VCF-style: chr3-180660697-T-C. GRCh37 (hg19) VCF-style: chr3-180378485-T-C.
Other names: short protein forms D130G.
Identifiers: ClinVar variation 2048041 (VCV002048041.4), dbSNP rs781232118, ClinGen allele CA2716183.

ClinVar aggregate classification (germline): Uncertain significance (1 of 4 stars; one submission).

Conditions:
Primary ciliary dyskinesia. Also called: Ciliary dyskinesia. Identifiers: Orphanet 244, MedGen C0008780, MONDO:0016575, HP:0012265.

Allele frequency attached by ClinVar (database versions not stated): gnomAD 0.00001; ExAC 0.00002; TOPMed 0.00002.
gnomAD v4.1: 3 of 1,602,636 alleles (0.00019%); highest among the groups gnomAD compares: African/African-American, 0.0027%; no homozygotes.

Submission:

Labcorp Genetics (formerly Invitae), Labcorp
Classification: Uncertain significance for Primary ciliary dyskinesia. Last evaluated: 2022-11-08. Review status: criteria provided, single submitter. Criteria: Invitae Variant Classification Sherloc (09022015). Collection method: clinical testing. Allele origin: germline.
Comment: In summary, the available evidence is currently insufficient to determine the role of this variant in disease. Therefore, it has been classified as a Variant of Uncertain Significance. Algorithms developed to predict the effect of missense changes on protein structure and function are either unavailable or do not agree on the potential impact of this missense change (SIFT: "Deleterious"; PolyPhen-2: "Benign"; Align-GVGD: "Class C0"). This variant has not been reported in the literature in individuals affected with CCDC39-related conditions. The frequency data for this variant in the population databases is considered unreliable, as metrics indicate poor data quality at this position in the gnomAD database. This sequence change replaces aspartic acid, which is acidic and polar, with glycine, which is neutral and non-polar, at codon 130 of the CCDC39 protein (p.Asp130Gly).